The following is an entry in ClinVar:

NM_001193315.2(VIPAS39):c.184G>A (p.Glu62Lys)

Gene: VIPAS39 (VPS33B interacting protein, apical-basolateral polarity regulator, spe-39 homolog; minus strand). Cytogenetic location: 14q24.3.
Variant type: single nucleotide variant.
Coding change: c.184G>A on transcript NM_001193315.2 (MANE Select); coding-DNA position 184, G replaced by A.
Protein change: p.Glu62Lys; replaces glutamic acid 62 with lysine.
Molecular consequence: missense variant. On other transcripts: non-coding transcript variant (1).
Genome position (GRCh38, 1-based): chr14:77,453,311, C>T on the plus strand (G>A on the coding strand, the complement: VIPAS39 is on the minus strand). VCF-style: chr14-77453311-C-T. GRCh37 (hg19) VCF-style: chr14-77919654-C-T.
Other names: c.184G>A (NM_022067.3); c.184G>A, p.Glu62Lys (NM_001193314.2, NM_001193316.2, NM_001193317.2 and 15 more transcripts); short protein forms E62K.
Identifiers: ClinVar variation 2052997 (VCV002052997.4), dbSNP rs201075494, ClinGen allele CA7288188.

ClinVar aggregate classification (germline): Uncertain significance. Review status: criteria provided, multiple submitters, no conflicts (2 of 4 stars). 4 submissions from 4 submitters: Uncertain significance (4). Last evaluated 2026-04-12.

Conditions:
Arthrogryposis, renal dysfunction, and cholestasis 2 (ARCS2). Identifiers: Orphanet 2697, MedGen C3150672, MONDO:0013255, OMIM 613404.
VIPAS39-related disorder. Also called: VIPAS39-related condition.

Allele frequency attached by ClinVar (database versions not stated): ExAC 0.00010; TOPMed 0.00018; gnomAD 0.00019; ESP Exome Variant Server 0.00023.
gnomAD v4.1: 389 of 1,613,998 alleles (0.024%); highest among the groups gnomAD compares: Non-Finnish European, 0.032%; no homozygotes.

Submissions (4):

PreventionGenetics, part of Exact Sciences
Classification: Uncertain significance for VIPAS39-related condition. Last evaluated: 2026-04-12. Review status: criteria provided, single submitter. Criteria: ACMG Guidelines, 2015. Collection method: clinical testing. Allele origin: germline.
Comment: The VIPAS39 c.184G>A variant is predicted to result in the amino acid substitution p.Glu62Lys. To our knowledge, this variant has not been reported in the literature. This variant is reported in 0.029% of alleles in individuals of European (Non-Finnish) descent in gnomAD. At this time, the clinical significance of this variant is uncertain due to the absence of conclusive functional and genetic evidence.

Blueprint Genetics
Classification: Uncertain significance. Last evaluated: 2024-06-11. Review status: criteria provided, single submitter. Criteria: ACMG Guidelines, 2015. Collection method: clinical testing. Allele origin: germline.

Fulgent Genetics
Classification: Uncertain significance for Arthrogryposis, renal dysfunction, and cholestasis 2. Last evaluated: 2024-03-01. Review status: criteria provided, single submitter. Criteria: ACMG Guidelines, 2015. Collection method: clinical testing. Allele origin: germline.

Labcorp Genetics (formerly Invitae), Labcorp
Classification: Uncertain significance. Last evaluated: 2022-06-16. Review status: criteria provided, single submitter. Criteria: Invitae Variant Classification Sherloc (09022015). Collection method: clinical testing. Allele origin: germline.
Comment: This sequence change replaces glutamic acid, which is acidic and polar, with lysine, which is basic and polar, at codon 62 of the VIPAS39 protein (p.Glu62Lys). This variant is present in population databases (rs201075494, gnomAD 0.03%). This variant has not been reported in the literature in individuals affected with VIPAS39-related conditions. Algorithms developed to predict the effect of missense changes on protein structure and function are either unavailable or do not agree on the potential impact of this missense change (SIFT: "Tolerated"; PolyPhen-2: "Possibly Damaging"; Align-GVGD: "Class C0"). In summary, the available evidence is currently insufficient to determine the role of this variant in disease. Therefore, it has been classified as a Variant of Uncertain Significance.